The following is an entry in ClinVar:

NM_000342.4(SLC4A1):c.1971C>T (p.Ser657=)

Gene: SLC4A1 (solute carrier family 4 member 1 (Diego blood group); minus strand). Cytogenetic location: 17q21.31.
Variant type: single nucleotide variant.
Coding change: c.1971C>T on transcript NM_000342.4 (MANE Select); coding-DNA position 1971, C replaced by T.
Protein change: p.Ser657=; no amino-acid change (serine 657 retained).
Molecular consequence: synonymous variant.
Genome position (GRCh38, 1-based): chr17:44,254,582, G>A on the plus strand (C>T on the coding strand, the complement: SLC4A1 is on the minus strand). VCF-style: chr17-44254582-G-A. GRCh37 (hg19) VCF-style: chr17-42331950-G-A.
Identifiers: ClinVar variation 890659 (VCV000890659.4), dbSNP rs200107906, ClinGen allele CA8600156.

ClinVar aggregate classification (germline): Conflicting classifications of pathogenicity. Review status: criteria provided, conflicting classifications (1 of 4 stars). 3 submissions from 1 submitter: Uncertain significance (2); Benign (1). Last evaluated 2018-01-13.

Conditions:
Hereditary spherocytosis type 4. Also called: SLC4A1-Related Spherocytosis. Identifiers: Orphanet 822, MedGen C2675212, MONDO:0012981, OMIM 612653.
Autosomal dominant distal renal tubular acidosis (DRTA1). Also called: RTA, CLASSIC TYPE; RTA, DISTAL TYPE, AUTOSOMAL DOMINANT; RTA, GRADIENT TYPE; Renal Tubular Acidosis, Type I; RENAL TUBULAR ACIDOSIS, DISTAL, 1. Identifiers: Orphanet 93608, MedGen CN280572, MONDO:0008368, OMIM 179800.
Hemolytic anemia. Identifiers: MedGen C0002878, MONDO:0003664, HP:0001878.

Allele frequency attached by ClinVar (database versions not stated): gnomAD 0.00001; gnomAD exomes 0.00001; TOPMed 0.00001; ExAC 0.00002; 1000 Genomes Project 0.00020; 1000 Genomes Project 30x 0.00031.
gnomAD v4.1: 21 of 1,614,172 alleles (0.0013%); highest among the groups gnomAD compares: South Asian, 0.0022%; no homozygotes.

Submissions (3):

Illumina Laboratory Services, Illumina
Classification: Uncertain significance for Hemolytic anemia. Last evaluated: 2018-01-13. Review status: criteria provided, single submitter. Criteria: ICSL Variant Classification Criteria 13 December 2019. Collection method: clinical testing. Allele origin: germline.

Illumina Laboratory Services, Illumina
Classification: Uncertain significance for Hereditary spherocytosis type 4. Last evaluated: 2018-01-13. Review status: criteria provided, single submitter. Criteria: ICSL Variant Classification Criteria 13 December 2019. Collection method: clinical testing. Allele origin: germline.

Illumina Laboratory Services, Illumina
Classification: Benign for Autosomal dominant distal renal tubular acidosis. Last evaluated: 2018-01-13. Review status: criteria provided, single submitter. Criteria: ICSL Variant Classification Criteria 13 December 2019. Collection method: clinical testing. Allele origin: germline.
Comment: This variant was observed in the ICSL laboratory as part of a predisposition screen in an ostensibly healthy population. It had not been previously curated by ICSL or reported in the Human Gene Mutation Database (HGMD: prior to June 1st, 2018), and was therefore a candidate for classification through an automated scoring system. Utilizing variant allele frequency, disease prevalence and penetrance estimates, and inheritance mode, an automated score was calculated to assess if this variant is too frequent to cause the disease. Based on the score and internal cut-off values, a variant classified as benign is not then subjected to further curation. The score for this variant resulted in a classification of benign for this disease.